The following is an entry in ClinVar:

NM_032634.4(PIGO):c.3014T>C (p.Phe1005Ser)

Gene: PIGO (phosphatidylinositol glycan anchor biosynthesis class O; minus strand). Cytogenetic location: 9p13.3.
Variant type: single nucleotide variant.
Coding change: c.3014T>C on transcript NM_032634.4 (MANE Select); coding-DNA position 3014, T replaced by C.
Protein change: p.Phe1005Ser; replaces phenylalanine 1005 with serine.
Molecular consequence: missense variant.
Genome position (GRCh38, 1-based): chr9:35,090,121, A>G on the plus strand (T>C on the coding strand, the complement: PIGO is on the minus strand). VCF-style: chr9-35090121-A-G. GRCh37 (hg19) VCF-style: chr9-35090118-A-G.
Other names: c.1763T>C, p.Phe588Ser (NM_001201484.2, NM_152850.4); short protein forms F1005S, F588S.
Identifiers: ClinVar variation 848501 (VCV000848501.7), dbSNP rs1829344388, ClinGen allele CA373317644.

ClinVar aggregate classification (germline): Uncertain significance. Review status: criteria provided, multiple submitters, no conflicts (2 of 4 stars). 2 submissions from 2 submitters: Uncertain significance (2). Last evaluated 2024-01-17.

Conditions:
Inborn genetic diseases. Identifiers: MedGen C0950123, MeSH D030342.
Hyperphosphatasia with impaired intellectual development syndrome 2. Also called: Hyperphosphatasia with intellectual disability syndrome 2; GLYCOSYLPHOSPHATIDYLINOSITOL BIOSYNTHESIS DEFECT 6. Identifiers: Orphanet 247262, MedGen C3553637, MONDO:0013882, OMIM 614749.

Allele frequency attached by ClinVar (database versions not stated): gnomAD 0.00001; TOPMed below 0.00001.
gnomAD v4.1: 1 of 1,614,114 alleles (0.000062%); highest among the groups gnomAD compares: African/African-American, 0.0013%; no homozygotes.

Submissions (2):

Ambry Genetics
Classification: Uncertain significance for Inborn genetic diseases. Last evaluated: 2024-01-17. Review status: criteria provided, single submitter. Criteria: Ambry Variant Classification Scheme 2023. Collection method: clinical testing. Allele origin: germline.

Labcorp Genetics (formerly Invitae), Labcorp
Classification: Uncertain significance for Hyperphosphatasia with impaired intellectual development syndrome 2. Last evaluated: 2021-08-26. Review status: criteria provided, single submitter. Criteria: Invitae Variant Classification Sherloc (09022015). Collection method: clinical testing. Allele origin: germline.
Comment: This sequence change replaces phenylalanine with serine at codon 1005 of the PIGO protein (p.Phe1005Ser). The phenylalanine residue is moderately conserved and there is a large physicochemical difference between phenylalanine and serine. This variant is not present in population databases (ExAC no frequency). This variant has not been reported in the literature in individuals affected with PIGO-related conditions. Algorithms developed to predict the effect of missense changes on protein structure and function are either unavailable or do not agree on the potential impact of this missense change (SIFT: "Deleterious"; PolyPhen-2: "Probably Damaging"; Align-GVGD: "Class C0"). In summary, the available evidence is currently insufficient to determine the role of this variant in disease. Therefore, it has been classified as a Variant of Uncertain Significance.